The following is an entry in ClinVar:

ClinVar aggregate classification (germline): Pathogenic (1 of 4 stars; one submission).

Conditions:
Renal cysts and diabetes syndrome (RCAD). Also called: Familial hypoplastic, glomerulocystic kidney; MATURITY-ONSET DIABETES OF THE YOUNG, TYPE 5. Identifiers: Orphanet 93111, MedGen C0431693, MONDO:0007669, OMIM 137920.

Submission:

Institute of Human Genetics, FAU Erlangen, Friedrich-Alexander-Universität Erlangen-Nürnberg
Classification: Pathogenic for Renal cysts and diabetes syndrome. Last evaluated: 2019-07-06. Review status: criteria provided, single submitter. Criteria: ACMG Guidelines, 2015. Collection method: literature only. Allele origin: germline. Affected: yes.
Comment: This variant and it's classification has been reported by Vasileiou et al. 2019; DOI:10.1101/576918. The variants has previously been reported in PMID:25700310; PMID:16971658; PMID:25536396 as "c.1046-2A>G" with clinical significance Pathogenic. It has been re-classified using InterVar and manual curation as Pathogenic based on PVS1 PM2 PP3.

Literature cited by the submitters: PubMed 25700310; PubMed 16971658; PubMed 25536396; DOI 10.1101/576918.

NM_000458.4(HNF1B):c.1046-2A>G

Gene: HNF1B (HNF1 homeobox B; minus strand). Cytogenetic location: 17q12.
Variant type: single nucleotide variant.
Coding change: c.1046-2A>G on transcript NM_000458.4 (MANE Select); the canonical splice acceptor site of the intron before coding-DNA position 1046, A replaced by G.
Molecular consequence: splice acceptor variant.
Genome position (GRCh38, 1-based): chr17:37,710,665, T>C on the plus strand (A>G on the coding strand, the complement: HNF1B is on the minus strand). VCF-style: chr17-37710665-T-C. GRCh37 (hg19) VCF-style: chr17-36070673-T-C.
Other names: c.968-2A>G (NM_001304286.2, NM_001165923.4); c.1046-2A>G (NM_001411100.1).
Identifiers: ClinVar variation 635611 (VCV000635611.1), dbSNP rs2511724285, ClinGen allele CA398760019.
Genomic context (GRCh38, chr17:37,710,665, plus strand): 5'-GTGACTGATTGTTGAGGAGGAAGTGATCTCATTGTTTCCCTGCTGGCTGTAGCGCACTCC[T>C]GCAAAACAACACAAACCCAGTAGGGAACATTAGTGCCACCAGGGTCCTGGAACAATGACT-3'